The following is an entry in ClinVar:

ClinVar aggregate classification (germline): Uncertain significance (1 of 4 stars; one submission).

gnomAD v4.1: 1 of 1,614,088 alleles (0.000062%); highest among the groups gnomAD compares: Non-Finnish European, 0.000085%; no homozygotes.

Submission:

Dasa
Classification: Uncertain significance. Last evaluated: 2026-03-27. Review status: criteria provided, single submitter. Criteria: DASA Assertion Criteria. Collection method: clinical testing. Allele origin: germline.
Comment: NM_001378457.1(DMXL2):c.8978T>G (p.Leu2993Trp) is a missense variant that results in the substitution of leucine with tryptophan. This variant is rare in population databases. Computational prediction algorithms are consistent with a deleterious effect. The currently available literature and clinical evidence are not sufficient to establish a definitive association between this variant and the reported condition. Therefore, this variant is classified as a variant of uncertain significance.

NM_001378457.1(DMXL2):c.8978T>G (p.Leu2993Trp)

Gene: DMXL2 (Dmx like 2; minus strand). Cytogenetic location: 15q21.2.
Variant type: single nucleotide variant.
Coding change: c.8978T>G on transcript NM_001378457.1 (MANE Select); coding-DNA position 8978, T replaced by G.
Protein change: p.Leu2993Trp; replaces leucine 2993 with tryptophan.
Molecular consequence: missense variant. On other transcripts: non-coding transcript variant (2).
Genome position (GRCh38, 1-based): chr15:51,449,183, A>C on the plus strand (T>G on the coding strand, the complement: DMXL2 is on the minus strand). VCF-style: chr15-51449183-A-C. GRCh37 (hg19) VCF-style: chr15-51741380-A-C.
Other names: c.8915T>G, p.Leu2972Trp (NM_001174116.3); c.7004T>G, p.Leu2335Trp (NM_001174117.3); c.8975T>G, p.Leu2992Trp (NM_001378458.1); c.8690T>G, p.Leu2897Trp (NM_001378459.1); c.6893T>G, p.Leu2298Trp (NM_001378460.1); c.8912T>G, p.Leu2971Trp (NM_015263.5); short protein forms L2298W, L2335W, L2897W, L2971W, L2972W, L2992W, L2993W.
Identifiers: ClinVar variation 4885889 (VCV004885889.2).